The following is an entry in ClinVar:

ClinVar aggregate classification (germline): Uncertain significance. Review status: criteria provided, multiple submitters, no conflicts (2 of 4 stars). 2 submissions from 2 submitters: Uncertain significance (2). Last evaluated 2022-08-12.

Conditions:
Inborn genetic diseases. Identifiers: MedGen C0950123, MeSH D030342.
Charcot-Marie-Tooth disease type 2E (CMT2E). Also called: CHARCOT-MARIE-TOOTH DISEASE, AXONAL, TYPE 2E; CHARCOT-MARIE-TOOTH NEUROPATHY, TYPE 2E. Identifiers: Orphanet 99939, MedGen C1843225, MONDO:0011894, OMIM 607684.

Submissions (2):

Labcorp Genetics (formerly Invitae), Labcorp
Classification: Uncertain significance for Charcot-Marie-Tooth disease type 2E. Last evaluated: 2022-08-12. Review status: criteria provided, single submitter. Criteria: Invitae Variant Classification Sherloc (09022015). Collection method: clinical testing. Allele origin: germline.
Comment: In summary, the available evidence is currently insufficient to determine the role of this variant in disease. Therefore, it has been classified as a Variant of Uncertain Significance. Experimental studies and prediction algorithms are not available or were not evaluated, and the functional significance of this variant is currently unknown. This variant has not been reported in the literature in individuals affected with NEFL-related conditions. This variant is present in population databases (no rsID available, gnomAD 0.0009%). This sequence change replaces alanine, which is neutral and non-polar, with valine, which is neutral and non-polar, at codon 199 of the NEFL protein (p.Ala199Val).

Ambry Genetics
Classification: Uncertain significance for Inborn genetic diseases. Last evaluated: 2019-10-10. Review status: criteria provided, single submitter. Criteria: Ambry Variant Classification Scheme 2023. Collection method: clinical testing. Allele origin: germline.
Comment: The p.A199V variant (also known as c.596C>T), located in coding exon 1 of the NEFL gene, results from a C to T substitution at nucleotide position 596. The alanine at codon 199 is replaced by valine, an amino acid with similar properties. This amino acid position is well conserved in available vertebrate species. In addition, this alteration is predicted to be deleterious by in silico analysis. Since supporting evidence is limited at this time, the clinical significance of this alteration remains unclear.

NM_006158.5(NEFL):c.596C>T (p.Ala199Val)

Gene: NEFL (neurofilament light chain; minus strand). Cytogenetic location: 8p21.2.
Variant type: single nucleotide variant.
Coding change: c.596C>T on transcript NM_006158.5 (MANE Select); coding-DNA position 596, C replaced by T.
Protein change: p.Ala199Val; replaces alanine 199 with valine.
Molecular consequence: missense variant.
Genome position (GRCh38, 1-based): chr8:24,955,920, G>A on the plus strand (C>T on the coding strand, the complement: NEFL is on the minus strand). VCF-style: chr8-24955920-G-A. GRCh37 (hg19) VCF-style: chr8-24813434-G-A.
Other names: short protein forms A199V.
Identifiers: ClinVar variation 1750776 (VCV001750776.7), dbSNP rs1214706801, ClinGen allele CA370622048.